The following is an entry in ClinVar:

NM_138927.4(SON):c.6614A>G (p.Asn2205Ser)

Gene: SON (SON DNA and RNA binding protein; plus strand). Cytogenetic location: 21q22.11.
Variant type: single nucleotide variant.
Coding change: c.6614A>G on transcript NM_138927.4 (MANE Select); coding-DNA position 6614, A replaced by G.
Protein change: p.Asn2205Ser; replaces asparagine 2205 with serine.
Molecular consequence: missense variant. On other transcripts: non-coding transcript variant (1).
Genome position (GRCh38, 1-based): chr21:33,559,732, A>G. VCF-style: chr21-33559732-A-G. GRCh37 (hg19) VCF-style: chr21-34932038-A-G.
Other names: c.698A>G, p.Asn233Ser (NM_001291412.3); c.6614A>G, p.Asn2205Ser (NM_032195.3); short protein forms N2205S, N233S.
Identifiers: ClinVar variation 3713399 (VCV003713399.2).

ClinVar aggregate classification (germline): Uncertain significance (1 of 4 stars; one submission).

gnomAD v4.1: 36 of 1,614,066 alleles (0.0022%); highest among the groups gnomAD compares: Non-Finnish European, 0.0029%; no homozygotes.

Submission:

Labcorp Genetics (formerly Invitae), Labcorp
Classification: Uncertain significance. Last evaluated: 2024-12-24. Review status: criteria provided, single submitter. Criteria: Invitae Variant Classification Sherloc (09022015). Collection method: clinical testing. Allele origin: germline.
Comment: This sequence change replaces asparagine, which is neutral and polar, with serine, which is neutral and polar, at codon 2205 of the SON protein (p.Asn2205Ser). This variant is present in population databases (no rsID available, gnomAD 0.002%). This variant has not been reported in the literature in individuals affected with SON-related conditions. An algorithm developed to predict the effect of missense changes on protein structure and function outputs the following: PolyPhen-2: "Not Available". The serine amino acid residue is found in multiple mammalian species, which suggests that this missense change does not adversely affect protein function. In summary, the available evidence is currently insufficient to determine the role of this variant in disease. Therefore, it has been classified as a Variant of Uncertain Significance.